The following is an entry in ClinVar:

ClinVar aggregate classification (germline): Uncertain significance. Review status: criteria provided, multiple submitters, no conflicts (2 of 4 stars). 3 submissions from 3 submitters: Uncertain significance (3). Last evaluated 2026-01-07.

Conditions:
Inborn genetic diseases. Identifiers: MedGen C0950123, MeSH D030342.
ERCC2-related disorder. Also called: ERCC2-related disorders; ERCC2-related conditions; ERCC2-related condition. Identifiers: MedGen CN239291.

Submissions (3):

Myriad Genetics, Inc.
Classification: Uncertain significance for ERCC2-related disorder. Last evaluated: 2026-01-07. Review status: criteria provided, single submitter. Criteria: Myriad Autosomal Dominant, Autosomal Recessive and X-Linked Classification Criteria (2023). Collection method: clinical testing. Allele origin: unknown.
Comment: NM_000400.3(ERCC2):c.1390C>G(L464V) is a missense variant classified as a variant of uncertain significance in the context of ERCC2-related disorders. L464V has not been observed in cases with relevant disease. Relevant functional assessments of this variant are not available in the literature. L464V has not been observed in referenced population frequency databases. In summary, there is insufficient evidence to classify NM_000400.3(ERCC2):c.1390C>G(L464V) as pathogenic or benign. Please note: this variant was assessed in the context of healthy population screening.

Labcorp Genetics (formerly Invitae), Labcorp
Classification: Uncertain significance. Last evaluated: 2025-12-30. Review status: criteria provided, single submitter. Criteria: Invitae Variant Classification Sherloc (09022015). Collection method: clinical testing. Allele origin: germline.
Comment: This sequence change replaces leucine, which is neutral and non-polar, with valine, which is neutral and non-polar, at codon 464 of the ERCC2 protein (p.Leu464Val). This variant is not present in population databases (gnomAD no frequency). This variant has not been reported in the literature in individuals affected with ERCC2-related conditions. ClinVar contains an entry for this variant (Variation ID: 3276228). Invitae Evidence Modeling of protein sequence and biophysical properties (such as structural, functional, and spatial information, amino acid conservation, physicochemical variation, residue mobility, and thermodynamic stability) indicates that this missense variant is not expected to disrupt ERCC2 protein function with a negative predictive value of 80%. In summary, the available evidence is currently insufficient to determine the role of this variant in disease. Therefore, it has been classified as a Variant of Uncertain Significance.

Ambry Genetics
Classification: Uncertain significance for Inborn genetic diseases. Last evaluated: 2024-04-26. Review status: criteria provided, single submitter. Criteria: Ambry Variant Classification Scheme 2023. Collection method: clinical testing. Allele origin: germline.
Comment: The p.L464V variant (also known as c.1390C>G), located in coding exon 15 of the ERCC2 gene, results from a C to G substitution at nucleotide position 1390. The leucine at codon 464 is replaced by valine, an amino acid with highly similar properties. This amino acid position is conserved. In addition, the in silico prediction for this alteration is inconclusive. Based on the available evidence, the clinical significance of this variant remains unclear.

NM_000400.4(ERCC2):c.1390C>G (p.Leu464Val)

Gene: ERCC2 (ERCC excision repair 2, TFIIH core complex helicase subunit; minus strand). Cytogenetic location: 19q13.32.
Variant type: single nucleotide variant.
Coding change: c.1390C>G on transcript NM_000400.4 (MANE Select); coding-DNA position 1390, C replaced by G.
Protein change: p.Leu464Val; replaces leucine 464 with valine.
Molecular consequence: missense variant.
Genome position (GRCh38, 1-based): chr19:45,357,359, G>C on the plus strand (C>G on the coding strand, the complement: ERCC2 is on the minus strand). VCF-style: chr19-45357359-G-C. GRCh37 (hg19) VCF-style: chr19-45860617-G-C.
Other names: short protein forms L464V.
Identifiers: ClinVar variation 3276228 (VCV003276228.4).
Genomic context (GRCh38, chr19:45,357,359, plus strand): 5'-TCATGGTGAAGGTTGCCATGGTGACGGGGTGGAAGTCCAGGATCTTGGGGTAGATGTCCA[G>C]CGGGGACAGTGTCTGTGGCGGGACAGTGGGAGGGATCTCAGCAGGACTGGGCAGGGACCA-3'
Protein context (NP_000391.1, residues 454-474): VIITSGTLSP[Leu464Val]DIYPKILDFH